The following is an entry in ClinVar:

ClinVar aggregate classification (germline): Pathogenic/Likely pathogenic. Review status: criteria provided, multiple submitters, no conflicts (2 of 4 stars). 2 submissions from 2 submitters: Pathogenic (1); Likely pathogenic (1). Last evaluated 2025-08-29.

Conditions:
Hypophosphatasia. Also called: Phosphoethanol-aminuria. Identifiers: Orphanet 436, MedGen C0020630, MeSH D007014, MONDO:0018570.

Submissions (2):

Genomenon, Inc
Classification: Likely pathogenic for Hypophosphatasia. Last evaluated: 2025-08-29. Review status: criteria provided, single submitter. Criteria: Genomenon Sequence Variant Interpretation Standards. Collection method: curation. Allele origin: germline. Affected: yes.
Comment: ALPL c.1133A>G is a missense variant that changes the amino acid at residue 378 from Aspartic acid to Glycine. This variant has been observed in at least one proband affected with hypophosphatasia (PMID:35241128). It is absent or not present at a significant frequency in gnomAD. In silico models agree that this variant is possibly or probably damaging. In conclusion, we classify ALPL p.Asp378Gly (c.1133A>G) as a likely pathogenic variant.

Labcorp Genetics (formerly Invitae), Labcorp
Classification: Pathogenic. Last evaluated: 2025-01-23. Review status: criteria provided, single submitter. Criteria: Invitae Variant Classification Sherloc (09022015). Collection method: clinical testing. Allele origin: germline.
Comment: This sequence change replaces aspartic acid, which is acidic and polar, with glycine, which is neutral and non-polar, at codon 378 of the ALPL protein (p.Asp378Gly). This variant is not present in population databases (gnomAD no frequency). This missense change has been observed in individual(s) with hypophosphatasia (PMID: 28127875, 32066479). Invitae Evidence Modeling of protein sequence and biophysical properties (such as structural, functional, and spatial information, amino acid conservation, physicochemical variation, residue mobility, and thermodynamic stability) indicates that this missense variant is expected to disrupt ALPL protein function with a positive predictive value of 95%. This variant disrupts the p.Asp378 amino acid residue in ALPL. Other variant(s) that disrupt this residue have been determined to be pathogenic (PMID: 21713987, 25731960). This suggests that this residue is clinically significant, and that variants that disrupt this residue are likely to be disease-causing. For these reasons, this variant has been classified as Pathogenic.

Literature cited by the submitters: PubMed 35241128 (cited by Genomenon, Inc); PubMed 28127875 (cited by Labcorp Genetics (formerly Invitae), Labcorp); PubMed 32066479 (cited by Labcorp Genetics (formerly Invitae), Labcorp); PubMed 21713987 (cited by Labcorp Genetics (formerly Invitae), Labcorp); PubMed 25731960 (cited by Labcorp Genetics (formerly Invitae), Labcorp).

NM_000478.6(ALPL):c.1133A>G (p.Asp378Gly)

Gene: ALPL (alkaline phosphatase, biomineralization associated; plus strand). Cytogenetic location: 1p36.12.
Variant type: single nucleotide variant.
Coding change: c.1133A>G on transcript NM_000478.6 (MANE Select); coding-DNA position 1133, A replaced by G.
Protein change: p.Asp378Gly; replaces aspartic acid 378 with glycine.
Molecular consequence: missense variant.
Genome position (GRCh38, 1-based): chr1:21,575,868, A>G. VCF-style: chr1-21575868-A-G. GRCh37 (hg19) VCF-style: chr1-21902361-A-G.
Other names: c.902A>G, p.Asp301Gly (NM_001177520.3); c.1133A>G, p.Asp378Gly (NM_001369803.2, NM_001369804.2, NM_001369805.2); c.968A>G, p.Asp323Gly (NM_001127501.4); short protein forms D378G, D301G, D323G.
Identifiers: ClinVar variation 3720176 (VCV003720176.3).